The following is an entry in ClinVar:

NM_001385012.1(NBEA):c.6585+3395A>G

Genes: MAB21L1 (mab-21 like 1; minus strand), NBEA (neurobeachin; plus strand). Cytogenetic location: 13q13.3.
Variant type: single nucleotide variant.
Coding change: c.6585+3395A>G on transcript NM_001385012.1 (MANE Select); 3395 bases into the intron after coding-DNA position 6585, A replaced by G.
Molecular consequence: intron variant. On other transcripts: missense variant (1).
Genome position (GRCh38, 1-based): chr13:35,475,931, A>G. VCF-style: chr13-35475931-A-G. GRCh37 (hg19) VCF-style: chr13-36050068-A-G.
Other names: c.208T>C, p.Ser70Pro (NM_005584.5); c.6585+3395A>G (NM_015678.5); c.6576+3395A>G (NM_001379245.1); short protein forms S70P.
Identifiers: ClinVar variation 5008075 (VCV005008075.1).

ClinVar aggregate classification (germline): Uncertain significance (1 of 4 stars; one submission).

Submission:

GeneDx
Classification: Uncertain significance. Last evaluated: 2026-03-02. Review status: criteria provided, single submitter. Criteria: GeneDx Variant Classification Process June 2021. Collection method: clinical testing. Allele origin: germline.
Comment: Not observed at significant frequency in large population cohorts (gnomAD); In silico analysis supports a deleterious effect on splicing; Has not been previously published as pathogenic or benign to our knowledge